The following is an entry in ClinVar:

ClinVar aggregate classification (germline): Likely benign (0 of 4 stars; one submission).

Conditions:
KDM5C-related disorder. Also called: KDM5C-related condition.

Submission:

PreventionGenetics, part of Exact Sciences
Classification: Likely benign for KDM5C-related condition. Last evaluated: 2019-05-22. Review status: no assertion criteria provided. Collection method: clinical testing. Allele origin: germline.
Comment: This variant is classified as likely benign based on ACMG/AMP sequence variant interpretation guidelines (Richards et al. 2015 PMID: 25741868, with internal and published modifications).

NM_004187.5(KDM5C):c.2868G>C (p.Ala956=)

Gene: KDM5C (lysine demethylase 5C; minus strand). Cytogenetic location: Xp11.22.
Variant type: single nucleotide variant.
Coding change: c.2868G>C on transcript NM_004187.5 (MANE Select); coding-DNA position 2868, G replaced by C.
Protein change: p.Ala956=; no amino-acid change (alanine 956 retained).
Molecular consequence: synonymous variant. On other transcripts: non-coding transcript variant (3).
Genome position (GRCh38, 1-based): chrX:53,196,799, C>G on the plus strand (G>C on the coding strand, the complement: KDM5C is on the minus strand). VCF-style: chrX-53196799-C-G. GRCh37 (hg19) VCF-style: chrX-53225981-C-G.
Other names: c.2667G>C, p.Ala889= (NM_001146702.2); c.2865G>C, p.Ala955= (NM_001282622.3, NM_001353979.2, NM_001353982.2); c.2868G>C, p.Ala956= (NM_001353978.3, NM_001353981.2, NM_001353984.2).
Identifiers: ClinVar variation 3038478 (VCV003038478.2), dbSNP rs781897103, ClinGen allele CA516672197.